The following is an entry in ClinVar:

NM_000541.5(SAG):c.597G>T (p.Gln199His)

Gene: SAG (S-antigen visual arrestin; plus strand). Cytogenetic location: 2q37.1.
Variant type: single nucleotide variant.
Coding change: c.597G>T on transcript NM_000541.5 (MANE Select); coding-DNA position 597, G replaced by T.
Protein change: p.Gln199His; replaces glutamine 199 with histidine.
Molecular consequence: missense variant.
Genome position (GRCh38, 1-based): chr2:233,328,562, G>T. VCF-style: chr2-233328562-G-T. GRCh37 (hg19) VCF-style: chr2-234237208-G-T.
Other names: short protein forms Q199H.
Identifiers: ClinVar variation 1376886 (VCV001376886.6), dbSNP rs1369644235, ClinGen allele CA351047573.

ClinVar aggregate classification (germline): Uncertain significance (1 of 4 stars; one submission).

Submission:

Labcorp Genetics (formerly Invitae), Labcorp
Classification: Uncertain significance. Last evaluated: 2021-08-31. Review status: criteria provided, single submitter. Criteria: Invitae Variant Classification Sherloc (09022015). Collection method: clinical testing. Allele origin: germline.
Comment: In summary, the available evidence is currently insufficient to determine the role of this variant in disease. Therefore, it has been classified as a Variant of Uncertain Significance. Algorithms developed to predict the effect of missense changes on protein structure and function are either unavailable or do not agree on the potential impact of this missense change (SIFT: "Tolerated"; PolyPhen-2: "Possibly Damaging"; Align-GVGD: "Class C0"). This variant has not been reported in the literature in individuals affected with SAG-related conditions. This variant is not present in population databases (ExAC no frequency). This sequence change replaces glutamine with histidine at codon 199 of the SAG protein (p.Gln199His). The glutamine residue is moderately conserved and there is a small physicochemical difference between glutamine and histidine.